The following is an entry in ClinVar:

ClinVar aggregate classification (germline): Uncertain significance. Review status: criteria provided, multiple submitters, no conflicts (2 of 4 stars). 2 submissions from 2 submitters: Uncertain significance (2). Last evaluated 2024-08-20.

Allele frequency attached by ClinVar (database versions not stated): gnomAD 0.00011 and 0.00013; gnomAD exomes 0.00011 and 0.00013; TOPMed 0.00013; ExAC 0.00017; ESP Exome Variant Server 0.00031.
gnomAD v4.1: 179 of 1,613,964 alleles (0.011%); highest among the groups gnomAD compares: Middle Eastern, 0.15%; no homozygotes.

Submissions (2):

Ambry Genetics
Classification: Uncertain significance. Last evaluated: 2024-08-20. Review status: criteria provided, single submitter. Criteria: Ambry Variant Classification Scheme 2023. Collection method: clinical testing. Allele origin: germline.

GeneDx
Classification: Uncertain significance. Last evaluated: 2015-04-29. Review status: criteria provided, single submitter. Criteria: GeneDx Variant Classification (06012015). Collection method: clinical testing. Allele origin: germline. Affected: yes.
Comment: The P143L variant in the NID1 gene has not been published as a pathogenic variant, nor has it been reported as a benign polymorphism to our knowledge. The P143L variant was not observed with any significant frequency in approximately 6500 individuals of European and African American ancestry in the NHLBI Exome Sequencing Project. The P143L variant is a semi-conservative amino acid substitution which may impact secondary protein structure as these residues differ in some properties. This substitution occurs at a position that is conserved across species. In silico analysis predicts this variant is probably damaging to the protein structure/function. We interpret P143L as a variant of unknown significance.

NM_002508.3(NID1):c.428C>T (p.Pro143Leu)

Gene: NID1 (nidogen 1; minus strand). Cytogenetic location: 1q42.3.
Variant type: single nucleotide variant.
Coding change: c.428C>T on transcript NM_002508.3 (MANE Select); coding-DNA position 428, C replaced by T.
Protein change: p.Pro143Leu; replaces proline 143 with leucine.
Molecular consequence: missense variant.
Genome position (GRCh38, 1-based): chr1:236,048,787, G>A on the plus strand (C>T on the coding strand, the complement: NID1 is on the minus strand). VCF-style: chr1-236048787-G-A. GRCh37 (hg19) VCF-style: chr1-236212087-G-A.
Other names: short protein forms P143L.
Identifiers: ClinVar variation 449212 (VCV000449212.3), dbSNP rs200351205, ClinGen allele CA1468870.
Genomic context (GRCh38, chr1:236,048,787, plus strand): 5'-TAGGGGGCCACGGATTCCCAAGTGACAACCACCGCGCTACTAGGCTGGAAAGAGATCTCC[G>A]GGAACCCTCTGTGGACACACTCTGCTGCTCGCTGAGTGATGGAGGGGGATAAGTCTTCTC-3'
Protein context (NP_002499.2, residues 133-153): RAAECVHRGF[Pro143Leu]EISFQPSSAV